The following is an entry in ClinVar:

ClinVar aggregate classification (germline): Benign/Likely benign. Review status: criteria provided, multiple submitters, no conflicts (2 of 4 stars). 17 submissions from 16 submitters: Benign (10); Likely benign (3). 4 of the submissions do not count toward it. Last evaluated 2026-02-04.

Conditions:
Wiskott-Aldrich syndrome (WAS). Also called: Wiskott-aldrich syndrome, somatic; WISKOTT-ALDRICH SYNDROME 1; ALDRICH SYNDROME; IMMUNODEFICIENCY 2. Identifiers: Orphanet 906, MedGen C0043194, MONDO:0010518, OMIM 301000.
Werner syndrome (WRN). Identifiers: Orphanet 902, MedGen C0043119, MONDO:0010196, OMIM 277700.

Allele frequency attached by ClinVar (database versions not stated): 1000 Genomes Project 0.19269; 1000 Genomes Project 30x 0.19269; TOPMed 0.21150; gnomAD 0.22492 and 0.22580; ESP Exome Variant Server 0.22736; gnomAD exomes 0.23758 and 0.24923; ExAC 0.24164.
gnomAD v4.1: 397,783 of 1,613,060 alleles (25%); highest among the groups gnomAD compares: South Asian, 28%; 50,791 homozygotes.

Submissions (17):

Labcorp Genetics (formerly Invitae), Labcorp
Classification: Benign for Werner syndrome. Last evaluated: 2026-02-04. Review status: criteria provided, single submitter. Criteria: Invitae Variant Classification Sherloc (09022015). Collection method: clinical testing. Allele origin: germline.

KCCC/NGS Laboratory, Kuwait Cancer Control Center
Classification: Benign for Werner syndrome. Last evaluated: 2025-02-01. Review status: criteria provided, single submitter. Criteria: ACMG Guidelines, 2015. Collection method: clinical testing. Allele origin: germline. Affected: no.

Blueprint Genetics
Classification: Likely benign. Last evaluated: 2024-11-27. Review status: criteria provided, single submitter. Criteria: ACMG Guidelines, 2015. Collection method: clinical testing. Allele origin: germline.

KCCC/NGS Laboratory, Kuwait Cancer Control Center
Classification: Benign for Wiskott-Aldrich syndrome. Last evaluated: 2023-07-07. Review status: criteria provided, single submitter. Criteria: ACMG Guidelines, 2015. Collection method: clinical testing. Allele origin: germline. Affected: yes.

Mayo Clinic Laboratories, Mayo Clinic
Classification: Benign. Last evaluated: 2022-07-19. Review status: criteria provided, single submitter. Criteria: ACMG Guidelines, 2015. Collection method: clinical testing. Allele origin: germline. Observed: 162 variant alleles.
Comment: BA1, BP4

Genome-Nilou Lab
Classification: Benign for Werner syndrome. Last evaluated: 2021-12-05. Review status: criteria provided, single submitter. Criteria: ACMG Guidelines, 2015. Collection method: clinical testing. Allele origin: germline. Affected: no.

Women's Health and Genetics/Laboratory Corporation of America, LabCorp
Classification: Likely benign. Last evaluated: 2021-12-03. Review status: criteria provided, single submitter. Criteria: LabCorp Variant Classification Summary - May 2015. Collection method: clinical testing. Allele origin: germline.

Mendelics
Classification: Benign for Werner syndrome. Last evaluated: 2019-05-28. Review status: criteria provided, single submitter. Criteria: Mendelics Assertion Criteria 2017. Collection method: clinical testing. Allele origin: unknown.

GeneDx
Classification: Benign. Last evaluated: 2018-05-17. Review status: criteria provided, single submitter. Criteria: GeneDx Variant Classification (06012015). Collection method: clinical testing. Allele origin: germline. Affected: yes.
Comment: This variant is considered likely benign or benign based on one or more of the following criteria: it is a conservative change, it occurs at a poorly conserved position in the protein, it is predicted to be benign by multiple in silico algorithms, and/or has population frequency not consistent with disease.

Illumina Laboratory Services, Illumina
Classification: Benign for Werner syndrome. Last evaluated: 2018-03-06. Review status: criteria provided, single submitter. Criteria: ICSL Variant Classification Criteria 13 December 2019. Collection method: clinical testing. Allele origin: germline.
Comment: This variant was observed in the ICSL laboratory as part of a predisposition screen in an ostensibly healthy population. It had not been previously curated by ICSL or reported in the Human Gene Mutation Database (HGMD: prior to June 1st, 2018), and was therefore a candidate for classification through an automated scoring system. Utilizing variant allele frequency, disease prevalence and penetrance estimates, and inheritance mode, an automated score was calculated to assess if this variant is too frequent to cause the disease. Based on the score and internal cut-off values, a variant classified as benign is not then subjected to further curation. The score for this variant resulted in a classification of benign for this disease.

Eurofins Ntd Llc (ga)
Classification: Benign. Last evaluated: 2014-10-14. Review status: criteria provided, single submitter. Criteria: EGL Classification Definitions 2015. Collection method: clinical testing. Allele origin: germline. Observed: 1 variant allele, 1 heterozygote.

Breakthrough Genomics
Classification: Likely benign. Review status: criteria provided, single submitter. Criteria: ACMG Guidelines, 2015. Collection method: not provided. Allele origin: germline. Inheritance: Autosomal recessive inheritance. Affected: yes.

PreventionGenetics, part of Exact Sciences
Classification: Benign. Review status: criteria provided, single submitter. Criteria: ACMG Guidelines, 2015. Collection method: clinical testing. Allele origin: germline.

ITMI
No classification provided. Condition: AllHighlyPenetrant. Last evaluated: 2013-09-19. Review status: no classification provided. Collection method: reference population. Allele origin: germline. Not counted in ClinVar's aggregate classification.
Comment: Please see associated publication for description of ethnicities

Diagnostic Laboratory, Department of Genetics, University Medical Center Groningen
Classification: Benign. Review status: no assertion criteria provided. Collection method: clinical testing. Allele origin: germline. Affected: yes. Study: VKGL Data-share Consensus. Not counted in ClinVar's aggregate classification.

Genetic Services Laboratory, University of Chicago
Classification: Likely benign for AllHighlyPenetrant. Review status: no assertion criteria provided. Collection method: clinical testing. Allele origin: germline. Inheritance: Autosomal recessive inheritance. Not counted in ClinVar's aggregate classification.
Comment: Likely benign based on allele frequency in 1000 Genomes Project or ESP global frequency and its presence in a patient with a rare or unrelated disease phenotype. NOT Sanger confirmed.

Joint Genome Diagnostic Labs from Nijmegen and Maastricht, Radboudumc and MUMC+
Classification: Benign. Review status: no assertion criteria provided. Collection method: clinical testing. Allele origin: germline. Affected: yes. Study: VKGL Data-share Consensus. Not counted in ClinVar's aggregate classification.

Literature cited by the submitters: PubMed 24728327 (cited by ITMI).

NM_000553.6(WRN):c.4099T>C (p.Cys1367Arg)

Gene: WRN (WRN RecQ like helicase; plus strand). Cytogenetic location: 8p12.
Variant type: single nucleotide variant.
Coding change: c.4099T>C on transcript NM_000553.6 (MANE Select); coding-DNA position 4099, T replaced by C.
Protein change: p.Cys1367Arg; replaces cysteine 1367 with arginine.
Molecular consequence: missense variant.
Genome position (GRCh38, 1-based): chr8:31,167,138, T>C. VCF-style: chr8-31167138-T-C. GRCh37 (hg19) VCF-style: chr8-31024654-T-C.
Other names: short protein forms C1367R.
Identifiers: ClinVar variation 130762 (VCV000130762.34), dbSNP rs1346044, ClinGen allele CA156029.